The following is an entry in ClinVar:

ClinVar aggregate classification (germline): Likely benign (0 of 4 stars; one submission).

Conditions:
TRDN-related disorder. Also called: TRDN-related condition.

Submission:

PreventionGenetics, part of Exact Sciences
Classification: Likely benign for TRDN-related condition. Last evaluated: 2020-07-14. Review status: no assertion criteria provided. Collection method: clinical testing. Allele origin: germline.
Comment: This variant is classified as likely benign based on ACMG/AMP sequence variant interpretation guidelines (Richards et al. 2015 PMID: 25741868, with internal and published modifications).

NM_006073.4(TRDN):c.1952-8C>G

Gene: TRDN (triadin; minus strand). Cytogenetic location: 6q22.31.
Variant type: single nucleotide variant.
Coding change: c.1952-8C>G on transcript NM_006073.4 (MANE Select); 8 bases into the intron before coding-DNA position 1952, C replaced by G.
Molecular consequence: intron variant.
Genome position (GRCh38, 1-based): chr6:123,252,443, G>C on the plus strand (C>G on the coding strand, the complement: TRDN is on the minus strand). VCF-style: chr6-123252443-G-C. GRCh37 (hg19) VCF-style: chr6-123573588-G-C.
Identifiers: ClinVar variation 3036990 (VCV003036990.2), dbSNP rs188767077, ClinGen allele CA2740091473.